The following is an entry in ClinVar:

NM_020937.4(FANCM):c.3303A>C (p.Gln1101His)

Gene: FANCM (FA complementation group M; plus strand). Cytogenetic location: 14q21.2.
Variant type: single nucleotide variant.
Coding change: c.3303A>C on transcript NM_020937.4 (MANE Select); coding-DNA position 3303, A replaced by C.
Protein change: p.Gln1101His; replaces glutamine 1101 with histidine.
Molecular consequence: missense variant.
Genome position (GRCh38, 1-based): chr14:45,176,057, A>C. VCF-style: chr14-45176057-A-C. GRCh37 (hg19) VCF-style: chr14-45645260-A-C.
Other names: c.3303A>C (NM_020937.3); c.3225A>C, p.Gln1075His (NM_001308133.2); short protein forms Q1075H, Q1101H.
Identifiers: ClinVar variation 963775 (VCV000963775.10), dbSNP rs1403821078, ClinGen allele CA389600921.
Genomic context (GRCh38, chr14:45,176,057, plus strand): 5'-TGACTGTGATGTACATAAACATAATCAAAATGAAAATTTAGTACCTAACAATCGTGTTCA[A>C]ATACACAGAAGCCCTGCACAGAATTTAGTTGGAGAGAACAATCATGATGTTGATAACAGT-3'
Protein context (NP_065988.1, residues 1091-1111): NENLVPNNRV[Gln1101His]IHRSPAQNLV

ClinVar aggregate classification (germline): Uncertain significance. Review status: criteria provided, multiple submitters, no conflicts (2 of 4 stars). 2 submissions from 2 submitters: Uncertain significance (2). Last evaluated 2023-06-26.

Conditions:
Fanconi anemia (FA). Also called: Fanconi's anemia. Identifiers: Orphanet 84, MedGen C0015625, MeSH D005199, MONDO:0019391.

Allele frequency attached by ClinVar (database versions not stated): gnomAD exomes below 0.00001.

Submissions (2):

Quest Diagnostics Nichols Institute San Juan Capistrano
Classification: Uncertain significance. Last evaluated: 2023-06-26. Review status: criteria provided, single submitter. Criteria: Quest Diagnostics criteria. Collection method: clinical testing. Allele origin: unknown.
Comment: In a breast cancer association study, this variant was observed in a control individual and not in any breast cancer cases (see LOVD and PMID: 33471991 (2021)). The frequency of this variant in the general population, 0.000004 (1/250712 chromosomes (Genome Aggregation Database)), is uninformative in the assessment of its pathogenicity. Analysis of this variant using bioinformatics tools for the prediction of the effect of amino acid changes on protein structure and function yielded conflicting predictions that this variant is benign or damaging. Based on the available information, we are unable to determine the clinical significance of this variant.

Labcorp Genetics (formerly Invitae), Labcorp
Classification: Uncertain significance for Fanconi anemia. Last evaluated: 2021-02-12. Review status: criteria provided, single submitter. Criteria: Invitae Variant Classification Sherloc (09022015). Collection method: clinical testing. Allele origin: germline.
Comment: In summary, the available evidence is currently insufficient to determine the role of this variant in disease. Therefore, it has been classified as a Variant of Uncertain Significance. Algorithms developed to predict the effect of missense changes on protein structure and function output the following: SIFT: "Tolerated"; PolyPhen-2: "Benign"; Align-GVGD: "Class C0". The histidine amino acid residue is found in multiple mammalian species, suggesting that this missense change does not adversely affect protein function. These predictions have not been confirmed by published functional studies and their clinical significance is uncertain. This variant has not been reported in the literature in individuals with FANCM-related conditions. This variant is not present in population databases (ExAC no frequency). This sequence change replaces glutamine with histidine at codon 1101 of the FANCM protein (p.Gln1101His). The glutamine residue is weakly conserved and there is a small physicochemical difference between glutamine and histidine.

Literature cited by the submitters: PubMed 33471991 (cited by Quest Diagnostics Nichols Institute San Juan Capistrano).